The following is an entry in ClinVar:

ClinVar aggregate classification (germline): Uncertain significance. Review status: criteria provided, multiple submitters, no conflicts (2 of 4 stars). 2 submissions from 2 submitters: Uncertain significance (2). Last evaluated 2025-02-18.

Conditions:
Hypertrophic cardiomyopathy. Also called: HYPERTROPHIC MYOCARDIOPATHY. Identifiers: Orphanet 217569, MedGen C0007194, MeSH D002312, MONDO:0005045, HP:0001639.

Submissions (2):

Labcorp Genetics (formerly Invitae), Labcorp
Classification: Uncertain significance for Hypertrophic cardiomyopathy. Last evaluated: 2025-02-18. Review status: criteria provided, single submitter. Criteria: Invitae Variant Classification Sherloc (09022015). Collection method: clinical testing. Allele origin: germline.
Comment: This sequence change replaces lysine, which is basic and polar, with asparagine, which is neutral and polar, at codon 1615 of the MYH7 protein (p.Lys1615Asn). This variant is not present in population databases (gnomAD no frequency). This variant has not been reported in the literature in individuals affected with MYH7-related conditions. ClinVar contains an entry for this variant (Variation ID: 407190). Invitae Evidence Modeling of protein sequence and biophysical properties (such as structural, functional, and spatial information, amino acid conservation, physicochemical variation, residue mobility, and thermodynamic stability) indicates that this missense variant is expected to disrupt MYH7 protein function with a positive predictive value of 95%. In summary, the available evidence is currently insufficient to determine the role of this variant in disease. Therefore, it has been classified as a Variant of Uncertain Significance.

Blueprint Genetics
Classification: Uncertain significance. Last evaluated: 2018-02-20. Review status: criteria provided, single submitter. Criteria: ACMG Guidelines, 2015. Collection method: clinical testing. Allele origin: germline.

NM_000257.4(MYH7):c.4845G>T (p.Lys1615Asn)

Genes: MHRT (myosin heavy chain associated RNA transcript; plus strand), MYH7 (myosin heavy chain 7; minus strand), LOC126861897 (BRD4-independent group 4 enhancer GRCh37_chr14:23884455-23885654; plus strand). Cytogenetic location: 14q11.2.
Variant type: single nucleotide variant.
Coding change: c.4845G>T on transcript NM_000257.4 (MANE Select); coding-DNA position 4845, G replaced by T.
Protein change: p.Lys1615Asn; replaces lysine 1615 with asparagine.
Molecular consequence: missense variant. On other transcripts: non-coding transcript variant (1).
Genome position (GRCh38, 1-based): chr14:23,416,112, C>A on the plus strand (G>T on the coding strand, the complement: MYH7 is on the minus strand). VCF-style: chr14-23416112-C-A. GRCh37 (hg19) VCF-style: chr14-23885321-C-A.
Other names: short protein forms K1615N.
Identifiers: ClinVar variation 407190 (VCV000407190.12), dbSNP rs1060501446, ClinGen allele CA16614393.